The following is an entry in ClinVar:

NM_017644.3(KLHL24):c.1508T>A (p.Leu503Gln)

Gene: KLHL24 (kelch like family member 24; plus strand). Cytogenetic location: 3q27.1.
Variant type: single nucleotide variant.
Coding change: c.1508T>A on transcript NM_017644.3 (MANE Select); coding-DNA position 1508, T replaced by A.
Protein change: p.Leu503Gln; replaces leucine 503 with glutamine.
Molecular consequence: missense variant. On other transcripts: non-coding transcript variant (2).
Genome position (GRCh38, 1-based): chr3:183,672,390, T>A. VCF-style: chr3-183672390-T-A. GRCh37 (hg19) VCF-style: chr3-183390178-T-A.
Other names: c.1583T>A, p.Leu528Gln (NM_001349413.1, NM_001349414.1, NM_001349415.1 and 4 more transcripts); c.1508T>A, p.Leu503Gln (NM_001349419.1, NM_001349420.1, NM_001349421.1 and 5 more transcripts); c.665T>A, p.Leu222Gln (NM_001349428.1, NM_001349429.1); short protein forms L528Q, L222Q, L503Q.
Identifiers: ClinVar variation 2963731 (VCV002963731.3), dbSNP rs2545695623, ClinGen allele CA355341355.

ClinVar aggregate classification (germline): Uncertain significance (1 of 4 stars; one submission).

Submission:

Labcorp Genetics (formerly Invitae), Labcorp
Classification: Uncertain significance. Last evaluated: 2022-12-25. Review status: criteria provided, single submitter. Criteria: Invitae Variant Classification Sherloc (09022015). Collection method: clinical testing. Allele origin: germline.
Comment: In summary, the available evidence is currently insufficient to determine the role of this variant in disease. Therefore, it has been classified as a Variant of Uncertain Significance. Advanced modeling of protein sequence and biophysical properties (such as structural, functional, and spatial information, amino acid conservation, physicochemical variation, residue mobility, and thermodynamic stability) performed at Invitae indicates that this missense variant is not expected to disrupt KLHL24 protein function. This variant has not been reported in the literature in individuals affected with KLHL24-related conditions. This variant is not present in population databases (gnomAD no frequency). This sequence change replaces leucine, which is neutral and non-polar, with glutamine, which is neutral and polar, at codon 503 of the KLHL24 protein (p.Leu503Gln).